The following is an entry in ClinVar:

NM_001385641.1(SAMD11):c.613C>T (p.Arg205Trp)

Gene: SAMD11 (sterile alpha motif domain containing 11; plus strand). Cytogenetic location: 1p36.33.
Variant type: single nucleotide variant.
Coding change: c.613C>T on transcript NM_001385641.1 (MANE Select); coding-DNA position 613, C replaced by T.
Protein change: p.Arg205Trp; replaces arginine 205 with tryptophan.
Molecular consequence: missense variant.
Genome position (GRCh38, 1-based): chr1:930,158, C>T. VCF-style: chr1-930158-C-T. GRCh37 (hg19) VCF-style: chr1-865538-C-T.
Other names: c.613C>T, p.Arg205Trp (NM_001385640.1); c.76C>T, p.Arg26Trp (NM_152486.4); short protein forms R26W, R205W.
Identifiers: ClinVar variation 1502618 (VCV001502618.6), dbSNP rs1381099827, ClinGen allele CA337791201.
Genomic context (GRCh38, chr1:930,158, plus strand): 5'-CTCCTGCCCCACCTTCCTCTCCTCCTGCCCCACCTTCCTCTCCTCCTGCCCCACCAGAAC[C>T]GGGGGCGGCTGGCAGACAAGAGGACAGTCGCCCTGCCTGCCGCCCGGAACCTGAAGAAGG-3'
Protein context (NP_001372570.1, residues 195-215): PGCRISSPVN[Arg205Trp]GRLADKRTVA

ClinVar aggregate classification (germline): Uncertain significance (1 of 4 stars; one submission).

Allele frequency attached by ClinVar (database versions not stated): TOPMed 0.00001; gnomAD 0.00003.
gnomAD v4.1: 19 of 1,555,374 alleles (0.0012%); highest among the groups gnomAD compares: South Asian, 0.0047%; no homozygotes.

Submission:

Labcorp Genetics (formerly Invitae), Labcorp
Classification: Uncertain significance. Last evaluated: 2024-10-25. Review status: criteria provided, single submitter. Criteria: Invitae Variant Classification Sherloc (09022015). Collection method: clinical testing. Allele origin: germline.
Comment: This sequence change replaces arginine, which is basic and polar, with tryptophan, which is neutral and slightly polar, at codon 26 of the SAMD11 protein (p.Arg26Trp). This variant is present in population databases (no rsID available, gnomAD 0.007%). This variant has not been reported in the literature in individuals affected with SAMD11-related conditions. ClinVar contains an entry for this variant (Variation ID: 1502618). An algorithm developed to predict the effect of missense changes on protein structure and function (PolyPhen-2) suggests that this variant is likely to be disruptive. In summary, the available evidence is currently insufficient to determine the role of this variant in disease. Therefore, it has been classified as a Variant of Uncertain Significance.